The following is an entry in ClinVar:

NM_000428.3(LTBP2):c.1823G>A (p.Cys608Tyr)

Gene: LTBP2 (latent transforming growth factor beta binding protein 2; minus strand). Cytogenetic location: 14q24.3.
Variant type: single nucleotide variant.
Coding change: c.1823G>A on transcript NM_000428.3 (MANE Select); coding-DNA position 1823, G replaced by A.
Protein change: p.Cys608Tyr; replaces cysteine 608 with tyrosine.
Molecular consequence: missense variant.
Genome position (GRCh38, 1-based): chr14:74,535,967, C>T on the plus strand (G>A on the coding strand, the complement: LTBP2 is on the minus strand). VCF-style: chr14-74535967-C-T. GRCh37 (hg19) VCF-style: chr14-75002670-C-T.
Other names: short protein forms C608Y.
Identifiers: ClinVar variation 1721753 (VCV001721753.5), dbSNP rs2506159751, ClinGen allele CA390397808.

ClinVar aggregate classification (germline): Uncertain significance (1 of 4 stars; one submission).

Allele frequency attached by ClinVar (database versions not stated): gnomAD exomes below 0.00001.
gnomAD v4.1: 1 of 1,614,182 alleles (0.000062%); highest among the groups gnomAD compares: Non-Finnish European, 0.000085%; no homozygotes.

Submission:

Labcorp Genetics (formerly Invitae), Labcorp
Classification: Uncertain significance. Last evaluated: 2022-10-17. Review status: criteria provided, single submitter. Criteria: Invitae Variant Classification Sherloc (09022015). Collection method: clinical testing. Allele origin: germline.
Comment: In summary, the available evidence is currently insufficient to determine the role of this variant in disease. Therefore, it has been classified as a Variant of Uncertain Significance. Algorithms developed to predict the effect of missense changes on protein structure and function (SIFT, PolyPhen-2, Align-GVGD) all suggest that this variant is likely to be disruptive. This variant has not been reported in the literature in individuals affected with LTBP2-related conditions. This variant is not present in population databases (gnomAD no frequency). This sequence change replaces cysteine, which is neutral and slightly polar, with tyrosine, which is neutral and polar, at codon 608 of the LTBP2 protein (p.Cys608Tyr).